The following is an entry in ClinVar:

ClinVar aggregate classification (germline): Likely benign. Review status: criteria provided, multiple submitters, no conflicts (2 of 4 stars). 2 submissions from 2 submitters: Likely benign (2). Last evaluated 2025-10-01.

Allele frequency attached by ClinVar (database versions not stated): gnomAD exomes 0.00043 and 0.00114; ExAC 0.00064; TOPMed 0.00066; gnomAD 0.00068 and 0.00070; 1000 Genomes Project 30x 0.00078; 1000 Genomes Project 0.00080; ESP Exome Variant Server 0.00085.
gnomAD v4.1: 1,769 of 1,606,544 alleles (0.11%); highest among the groups gnomAD compares: Non-Finnish European, 0.14%; 3 homozygotes.

Submissions (2):

CeGaT Center for Human Genetics Tuebingen
Classification: Likely benign. Last evaluated: 2025-10-01. Review status: criteria provided, single submitter. Criteria: CeGaT Center For Human Genetics Tuebingen Variant Classification Criteria Version 2. Collection method: clinical testing. Allele origin: germline. Affected: yes. Observed: 1 variant allele.
Comment: SLC4A10: BP4, BS2

Labcorp Genetics (formerly Invitae), Labcorp
Classification: Likely benign. Last evaluated: 2018-12-11. Review status: criteria provided, single submitter. Criteria: Invitae Variant Classification Sherloc (09022015). Collection method: clinical testing. Allele origin: germline.

NM_001178015.2(SLC4A10):c.75T>C (p.Asp25=)

Gene: SLC4A10 (solute carrier family 4 member 10; plus strand). Cytogenetic location: 2q24.2.
Variant type: single nucleotide variant.
Coding change: c.75T>C on transcript NM_001178015.2 (MANE Select); coding-DNA position 75, T replaced by C.
Protein change: p.Asp25=; no amino-acid change (aspartic acid 25 retained).
Molecular consequence: synonymous variant. On other transcripts: 5 prime UTR variant (1).
Genome position (GRCh38, 1-based): chr2:161,770,999, T>C. VCF-style: chr2-161770999-T-C. GRCh37 (hg19) VCF-style: chr2-162627509-T-C.
Other names: c.108T>C, p.Asp36= (NM_001178016.2, NM_001354441.2, NM_001354442.2 and 2 more transcripts); c.75T>C, p.Asp25= (NM_001354440.2, NM_001354444.2, NM_001354446.2 and 5 more transcripts); c.111T>C, p.Asp37= (NM_001354443.2, NM_001354447.2, NM_001354460.2 and 1 more transcripts); c.-611T>C (NM_001354455.2).
Identifiers: ClinVar variation 746851 (VCV000746851.9), dbSNP rs191005728, ClinGen allele CA1931096.